The following is an entry in ClinVar:

NM_001007527.2(LMBRD2):c.1027A>G (p.Asn343Asp)

Gene: LMBRD2 (LMBR1 domain containing 2; minus strand). Cytogenetic location: 5p13.2.
Variant type: single nucleotide variant.
Coding change: c.1027A>G on transcript NM_001007527.2 (MANE Select); coding-DNA position 1027, A replaced by G.
Protein change: p.Asn343Asp; replaces asparagine 343 with aspartic acid.
Molecular consequence: missense variant.
Genome position (GRCh38, 1-based): chr5:36,122,373, T>C on the plus strand (A>G on the coding strand, the complement: LMBRD2 is on the minus strand). VCF-style: chr5-36122373-T-C. GRCh37 (hg19) VCF-style: chr5-36122475-T-C.
Other names: short protein forms N343D.
Identifiers: ClinVar variation 3384420 (VCV003384420.1).

ClinVar aggregate classification (germline): Uncertain significance (1 of 4 stars; one submission).

gnomAD v4.1: 1 of 1,612,936 alleles (0.000062%); highest among the groups gnomAD compares: Admixed American, 0.0017%; no homozygotes.

Submission:

GeneDx
Classification: Uncertain significance. Last evaluated: 2024-05-15. Review status: criteria provided, single submitter. Criteria: GeneDx Variant Classification Process June 2021. Collection method: clinical testing. Allele origin: germline. Affected: yes.
Comment: Not observed at significant frequency in large population cohorts (gnomAD); In silico analysis supports that this missense variant has a deleterious effect on protein structure/function; Has not been previously published as pathogenic or benign to our knowledge